The following is an entry in ClinVar:

ClinVar aggregate classification (germline): Uncertain significance. Review status: criteria provided, multiple submitters, no conflicts (2 of 4 stars). 2 submissions from 2 submitters: Uncertain significance (2). Last evaluated 2024-10-04.

Allele frequency attached by ClinVar (database versions not stated): ExAC 0.00001; 1000 Genomes Project 30x 0.00021; 1000 Genomes Project 0.00026.
gnomAD v4.1: 6 of 1,209,183 alleles (0.0005%); highest among the groups gnomAD compares: South Asian, 0.011%; no homozygotes.

Submissions (2):

Blueprint Genetics
Classification: Uncertain significance. Last evaluated: 2024-10-04. Review status: criteria provided, single submitter. Criteria: ACMG Guidelines, 2015. Collection method: clinical testing. Allele origin: germline.

Labcorp Genetics (formerly Invitae), Labcorp
Classification: Uncertain significance. Last evaluated: 2022-10-17. Review status: criteria provided, single submitter. Criteria: Invitae Variant Classification Sherloc (09022015). Collection method: clinical testing. Allele origin: germline.
Comment: This sequence change replaces histidine, which is basic and polar, with glutamine, which is neutral and polar, at codon 203 of the FRMD7 protein (p.His203Gln). This variant is present in population databases (rs780424842, gnomAD 0.005%). This variant has not been reported in the literature in individuals affected with FRMD7-related conditions. Algorithms developed to predict the effect of missense changes on protein structure and function output the following: SIFT: "Tolerated"; PolyPhen-2: "Benign"; Align-GVGD: "Class C0". The glutamine amino acid residue is found in multiple mammalian species, which suggests that this missense change does not adversely affect protein function. In summary, the available evidence is currently insufficient to determine the role of this variant in disease. Therefore, it has been classified as a Variant of Uncertain Significance.

NM_194277.3(FRMD7):c.609C>A (p.His203Gln)

Gene: FRMD7 (FERM domain containing 7; minus strand). Cytogenetic location: Xq26.2.
Variant type: single nucleotide variant.
Coding change: c.609C>A on transcript NM_194277.3 (MANE Select); coding-DNA position 609, C replaced by A.
Protein change: p.His203Gln; replaces histidine 203 with glutamine.
Molecular consequence: missense variant.
Genome position (GRCh38, 1-based): chrX:132,085,617, G>T on the plus strand (C>A on the coding strand, the complement: FRMD7 is on the minus strand). VCF-style: chrX-132085617-G-T. GRCh37 (hg19) VCF-style: chrX-131219645-G-T.
Other names: c.564C>A, p.His188Gln (NM_001306193.2); short protein forms H203Q, H188Q.
Identifiers: ClinVar variation 1928033 (VCV001928033.6), dbSNP rs780424842, ClinGen allele CA10519006.
Genomic context (GRCh38, chrX:132,085,617, plus strand): 5'-GGCTTGAAAGGAAAGAGATTTTACCCGTAACACCAGTACTCCCATGTGAGCAACAGCCAG[G>T]TGAATCTGCATCCCTTCACCATCACTGGCGGGGTGAGGCCTGATGCCATACATATCCAGC-3'
Protein context (NP_919253.1, residues 193-213): PASDGEGMQI[His203Gln]LAVAHMGVLV